The following is an entry in ClinVar:

NM_000157.4(GBA1):c.744G>A (p.Trp248Ter)

Genes: GBA1 (glucosylceramidase beta 1; minus strand), LOC106627981 (GBA recombination region; plus strand). Cytogenetic location: 1q22.
Variant type: single nucleotide variant.
Coding change: c.744G>A on transcript NM_000157.4 (MANE Select); coding-DNA position 744, G replaced by A.
Protein change: p.Trp248Ter; replaces tryptophan 248 with a stop codon.
Molecular consequence: nonsense.
Genome position (GRCh38, 1-based): chr1:155,238,151, C>T on the plus strand (G>A on the coding strand, the complement: GBA1 is on the minus strand). VCF-style: chr1-155238151-C-T. GRCh37 (hg19) VCF-style: chr1-155207942-C-T.
Other names: c.744G>A, p.Trp248Ter (NM_001005741.3, NM_001005742.3); c.483G>A, p.Trp161Ter (NM_001171811.2); c.597G>A, p.Trp199Ter (NM_001171812.2); short protein forms W161*, W199*, W248*.
Identifiers: ClinVar variation 4817802 (VCV004817802.1).
Genomic context (GRCh38, chr1:155,238,151, plus strand): 5'-ATGGGAGGCCAGTCCTGATCCCACATCCTTGCTGATCCCTTACTTCACAAAGTATCTGGC[C>T]CAGGTCTGGTGGTAGATGTCTCCGGGCTGTCCCTTGAGTGACCCCTTCCCATTCACCGCT-3'

ClinVar aggregate classification (germline): Likely pathogenic (1 of 4 stars; one submission).

Conditions:
Gaucher disease. Also called: Acute cerebral Gaucher disease; Cerebroside lipidosis syndrome; Gaucher splenomegaly; Sphingolipidosis 1; Glucocerebrosidosis; Glucosylceramidase deficiency. Identifiers: Orphanet 355, MedGen C0017205, MONDO:0018150.

Submission:

Natera, Inc.
Classification: Likely pathogenic for Gaucher disease. Last evaluated: 2024-08-12. Review status: criteria provided, single submitter. Criteria: Natera Variant Classification Schema (03/2026). Collection method: clinical testing. Allele origin: germline.
Comment: The c.744G>A variant in GBA1 is a nonsense variant predicted to introduce a stop codon at amino acid 248. This variant is expected to result in nonsense mediated decay, truncation, or a dysfunctional protein product. This variant is rare in the general population with a frequency below the threshold expected for the associated phenotype(s). Given the available evidence, this variant is classified as Likely Pathogenic.